The following is an entry in ClinVar:

NM_001845.6(COL4A1):c.4716C>T (p.Ser1572=)

Gene: COL4A1 (collagen type IV alpha 1 chain; minus strand). Cytogenetic location: 13q34.
Variant type: single nucleotide variant.
Coding change: c.4716C>T on transcript NM_001845.6 (MANE Select); coding-DNA position 4716, C replaced by T.
Protein change: p.Ser1572=; no amino-acid change (serine 1572 retained).
Molecular consequence: synonymous variant.
Genome position (GRCh38, 1-based): chr13:110,155,322, G>A on the plus strand (C>T on the coding strand, the complement: COL4A1 is on the minus strand). VCF-style: chr13-110155322-G-A. GRCh37 (hg19) VCF-style: chr13-110807669-G-A.
Other names: c.4716C>T (NM_001845.5).
Identifiers: ClinVar variation 1654111 (VCV001654111.11), dbSNP rs200290773, ClinGen allele CA7046839.

ClinVar aggregate classification (germline): Likely benign. Review status: criteria provided, multiple submitters, no conflicts (2 of 4 stars). 4 submissions from 4 submitters: Likely benign (3). 1 of the submissions does not count toward it. Last evaluated 2026-01-02.

Conditions:
Autosomal dominant familial hematuria-retinal arteriolar tortuosity-contractures syndrome. Also called: Hereditary Angiopathy with Nephropathy, Aneurysms, and Muscle Cramps (HANAC) Syndrome; Angiopathy, hereditary, with nephropathy, aneurysms, and muscle cramps. Identifiers: Orphanet 73229, MedGen C2673195, MONDO:0012726, OMIM 611773.
Hemorrhage, intracerebral, susceptibility to (ICH). Also called: Stroke, hemorrhagic, susceptibility to. Identifiers: MedGen C3281105, MONDO:0100533, OMIM 614519.
Retinal arterial tortuosity. Also called: Retinal arteries, tortuosity of; RETINAL HEMORRHAGE WITH VASCULAR TORTUOSITY. Identifiers: Orphanet 75326, MedGen C0423401, MONDO:0008373, OMIM 180000, HP:0000631.
Brain small vessel disease 1 with or without ocular anomalies (BSVD1). Also called: BRAIN SMALL VESSEL DISEASE WITH HEMORRHAGE; PORENCEPHALY, TYPE 1, AUTOSOMAL DOMINANT; Brain small vessel disease with or without ocular anomalies; GOULD SYNDROME 1. Identifiers: Orphanet 2940, Orphanet 36383, Orphanet 99810, MedGen C4755307, MONDO:0008289, OMIM 175780.
Microangiopathy and leukoencephalopathy, pontine, autosomal dominant. Also called: Pontine autosomal dominant microangiopathy with leukoencephalopathy; DEMENTIA, HEREDITARY MULTI-INFARCT, SWEDISH TYPE. Identifiers: Orphanet 477749, MedGen C5231411, MONDO:0032814, OMIM 618564.
COL4A1-related disorder. Also called: COL4A1-related condition; COL4A1-related disorders. Identifiers: MedGen CN376119, MONDO:0800461.

Allele frequency attached by ClinVar (database versions not stated): gnomAD exomes 0.00006; ExAC 0.00007; gnomAD 0.00007 and 0.00009; TOPMed 0.00007; 1000 Genomes Project 0.00040; 1000 Genomes Project 30x 0.00047.
gnomAD v4.1: 74 of 1,614,132 alleles (0.0046%); highest among the groups gnomAD compares: South Asian, 0.047%; 1 homozygote.

Submissions (4):

Labcorp Genetics (formerly Invitae), Labcorp
Classification: Likely benign. Last evaluated: 2026-01-02. Review status: criteria provided, single submitter. Criteria: Invitae Variant Classification Sherloc (09022015). Collection method: clinical testing. Allele origin: germline.

Fulgent Genetics
Classification: Likely benign for Brain small vessel disease 1 with or without ocular anomalies; Retinal arterial tortuosity; Autosomal dominant familial hematuria-retinal arteriolar tortuosity-contractures syndrome; Hemorrhage, intracerebral, susceptibility to; Microangiopathy and leukoencephalopathy, pontine, autosomal dominant. Last evaluated: 2021-08-12. Review status: criteria provided, single submitter. Criteria: ACMG Guidelines, 2015. Collection method: clinical testing. Allele origin: unknown.

Blueprint Genetics
Classification: Likely benign. Last evaluated: 2021-03-30. Review status: criteria provided, single submitter. Criteria: ACMG Guidelines, 2015. Collection method: clinical testing. Allele origin: germline.

PreventionGenetics, part of Exact Sciences
Classification: Likely benign for COL4A1-related condition. Last evaluated: 2024-08-03. Review status: no assertion criteria provided. Collection method: clinical testing. Allele origin: germline. Not counted in ClinVar's aggregate classification.
Comment: This variant is classified as likely benign based on ACMG/AMP sequence variant interpretation guidelines (Richards et al. 2015 PMID: 25741868, with internal and published modifications).